The following is an entry in ClinVar:

ClinVar aggregate classification (germline): Uncertain significance (1 of 4 stars; one submission).

Conditions:
Acromesomelic dysplasia 1, Maroteaux type (AMD1). Also called: ST. HELENA DYSPLASIA; ACROMESOMELIC DYSPLASIA 1. Identifiers: Orphanet 40, MedGen C1864356, MONDO:0011275, OMIM 602875.
Tall stature-scoliosis-macrodactyly of the great toes syndrome. Also called: Epiphyseal chondrodysplasia, miura type. Identifiers: Orphanet 329191, MedGen C4014690, MONDO:0014401, OMIM 615923.

Allele frequency attached by ClinVar (database versions not stated): gnomAD 0.00005.

Submission:

Labcorp Genetics (formerly Invitae), Labcorp
Classification: Uncertain significance for Tall stature-scoliosis-macrodactyly of the great toes syndrome; Acromesomelic dysplasia 1, Maroteaux type. Last evaluated: 2025-08-18. Review status: criteria provided, single submitter. Criteria: Invitae Variant Classification Sherloc (09022015). Collection method: clinical testing. Allele origin: germline.
Comment: This sequence change replaces glutamic acid, which is acidic and polar, with glycine, which is neutral and non-polar, at codon 288 of the NPR2 protein (p.Glu288Gly). This variant is present in population databases (rs765509984, gnomAD 0.002%). This missense change has been observed in individual(s) with clinical features of acromesomelic dysplasia (internal data). In at least one individual the data is consistent with being in trans (on the opposite chromosome) from a pathogenic variant. It has also been observed to segregate with disease in related individuals. ClinVar contains an entry for this variant (Variation ID: 1421074). Invitae Evidence Modeling of protein sequence and biophysical properties (such as structural, functional, and spatial information, amino acid conservation, physicochemical variation, residue mobility, and thermodynamic stability) indicates that this missense variant is not expected to disrupt NPR2 protein function with a negative predictive value of 80%. In summary, the available evidence is currently insufficient to determine the role of this variant in disease. Therefore, it has been classified as a Variant of Uncertain Significance.

NM_003995.4(NPR2):c.863A>G (p.Glu288Gly)

Gene: NPR2 (natriuretic peptide receptor 2; plus strand). Cytogenetic location: 9p13.3.
Variant type: single nucleotide variant.
Coding change: c.863A>G on transcript NM_003995.4 (MANE Select); coding-DNA position 863, A replaced by G.
Protein change: p.Glu288Gly; replaces glutamic acid 288 with glycine.
Molecular consequence: missense variant.
Genome position (GRCh38, 1-based): chr9:35,794,093, A>G. VCF-style: chr9-35794093-A-G. GRCh37 (hg19) VCF-style: chr9-35794090-A-G.
Other names: c.863A>G, p.Glu288Gly (NM_001378923.1); short protein forms E288G.
Identifiers: ClinVar variation 1421074 (VCV001421074.6), dbSNP rs765509984, ClinGen allele CA5051531.